The following is an entry in ClinVar:

NM_006231.4(POLE):c.5140G>C (p.Val1714Leu)

Gene: POLE (DNA polymerase epsilon, catalytic subunit; minus strand). Cytogenetic location: 12q24.33.
Variant type: single nucleotide variant.
Coding change: c.5140G>C on transcript NM_006231.4 (MANE Select); coding-DNA position 5140, G replaced by C.
Protein change: p.Val1714Leu; replaces valine 1714 with leucine.
Molecular consequence: missense variant.
Genome position (GRCh38, 1-based): chr12:132,642,210, C>G on the plus strand (G>C on the coding strand, the complement: POLE is on the minus strand). VCF-style: chr12-132642210-C-G. GRCh37 (hg19) VCF-style: chr12-133218796-C-G.
Other names: short protein forms V1714L.
Identifiers: ClinVar variation 2752669 (VCV002752669.3), dbSNP rs144941152, ClinGen allele CA387376739.

ClinVar aggregate classification (germline): Uncertain significance (1 of 4 stars; one submission).

gnomAD v4.1: 1 of 1,604,454 alleles (0.000062%); highest among the groups gnomAD compares: African/African-American, 0.0013%; no homozygotes.

Submission:

Labcorp Genetics (formerly Invitae), Labcorp
Classification: Uncertain significance. Last evaluated: 2023-08-16. Review status: criteria provided, single submitter. Criteria: Invitae Variant Classification Sherloc (09022015). Collection method: clinical testing. Allele origin: germline.
Comment: In summary, the available evidence is currently insufficient to determine the role of this variant in disease. Therefore, it has been classified as a Variant of Uncertain Significance. Advanced modeling of protein sequence and biophysical properties (such as structural, functional, and spatial information, amino acid conservation, physicochemical variation, residue mobility, and thermodynamic stability) performed at Invitae indicates that this missense variant is not expected to disrupt POLE protein function. This variant has not been reported in the literature in individuals affected with POLE-related conditions. This variant is present in population databases (no rsID available, gnomAD 0.01%). This sequence change replaces valine, which is neutral and non-polar, with leucine, which is neutral and non-polar, at codon 1714 of the POLE protein (p.Val1714Leu).